The following is an entry in ClinVar:

ClinVar aggregate classification (germline): Likely benign (1 of 4 stars; one submission).

Submission:

GeneDx
Classification: Likely benign. Last evaluated: 2017-05-23. Review status: criteria provided, single submitter. Criteria: GeneDx Variant Classification (06012015). Collection method: clinical testing. Allele origin: germline. Affected: yes.
Comment: This variant is considered likely benign or benign based on one or more of the following criteria: it is a conservative change, it occurs at a poorly conserved position in the protein, it is predicted to be benign by multiple in silico algorithms, and/or has population frequency not consistent with disease.

NM_006996.3(SLC19A2):c.1366-16C>T

Gene: SLC19A2 (solute carrier family 19 member 2; minus strand). Cytogenetic location: 1q24.2.
Variant type: single nucleotide variant.
Coding change: c.1366-16C>T on transcript NM_006996.3 (MANE Select); 16 bases into the intron before coding-DNA position 1366, C replaced by T.
Molecular consequence: intron variant.
Genome position (GRCh38, 1-based): chr1:169,465,993, G>A on the plus strand (C>T on the coding strand, the complement: SLC19A2 is on the minus strand). VCF-style: chr1-169465993-G-A. GRCh37 (hg19) VCF-style: chr1-169435231-G-A.
Other names: c.763-16C>T (NM_001319667.1).
Identifiers: ClinVar variation 517875 (VCV000517875.1), dbSNP rs1553211553, ClinGen allele CA658795564.